The following is an entry in ClinVar:

ClinVar aggregate classification (germline): Uncertain significance (0 of 4 stars; one submission).

Conditions:
PLXNA4-related disorder. Also called: PLXNA4-related condition.

Submission:

PreventionGenetics, part of Exact Sciences
Classification: Uncertain significance for PLXNA4-related condition. Last evaluated: 2023-12-14. Review status: no assertion criteria provided. Collection method: clinical testing. Allele origin: germline.
Comment: The PLXNA4 c.5492C>G variant is predicted to result in the amino acid substitution p.Ala1831Gly. To our knowledge, this variant has not been reported in the literature or in a large population database, indicating this variant is rare. At this time, the clinical significance of this variant is uncertain due to the absence of conclusive functional and genetic evidence.

NM_020911.2(PLXNA4):c.5492C>G (p.Ala1831Gly)

Gene: PLXNA4 (plexin A4; minus strand). Cytogenetic location: 7q32.3.
Variant type: single nucleotide variant.
Coding change: c.5492C>G on transcript NM_020911.2 (MANE Select); coding-DNA position 5492, C replaced by G.
Protein change: p.Ala1831Gly; replaces alanine 1831 with glycine.
Molecular consequence: missense variant.
Genome position (GRCh38, 1-based): chr7:132,133,146, G>C on the plus strand (C>G on the coding strand, the complement: PLXNA4 is on the minus strand). VCF-style: chr7-132133146-G-C. GRCh37 (hg19) VCF-style: chr7-131817905-G-C.
Other names: c.5492C>G, p.Ala1831Gly (NM_001393897.1); short protein forms A1831G.
Identifiers: ClinVar variation 3349529 (VCV003349529.1).
Genomic context (GRCh38, chr7:132,133,146, plus strand): 5'-GAGAGTGCACTCATGGTGTTGAACTCATTCATGTGCATCCGGGACTGCTCAGCCAGGTAT[G>C]CGTTCATGTCTTGGTCGCTGATGGCTGGCATCTTCCCTATGTCTGAGTAATACCTGTGGA-3'
Protein context (NP_065962.1, residues 1821-1841): MPAISDQDMN[Ala1831Gly]YLAEQSRMHM